The following is an entry in ClinVar:

ClinVar aggregate classification (germline): Uncertain significance. Review status: criteria provided, multiple submitters, no conflicts (2 of 4 stars). 2 submissions from 2 submitters: Uncertain significance (2). Last evaluated 2025-07-20.

Allele frequency attached by ClinVar (database versions not stated): gnomAD exomes 0.00001.

Submissions (2):

Labcorp Genetics (formerly Invitae), Labcorp
Classification: Uncertain significance. Last evaluated: 2025-07-20. Review status: criteria provided, single submitter. Criteria: Invitae Variant Classification Sherloc (09022015). Collection method: clinical testing. Allele origin: germline.
Comment: This sequence change replaces arginine, which is basic and polar, with histidine, which is basic and polar, at codon 258 of the LRP5 protein (p.Arg258His). This variant is not present in population databases (gnomAD no frequency). This variant has not been reported in the literature in individuals affected with LRP5-related conditions. ClinVar contains an entry for this variant (Variation ID: 2789412). Invitae Evidence Modeling of protein sequence and biophysical properties (such as structural, functional, and spatial information, amino acid conservation, physicochemical variation, residue mobility, and thermodynamic stability) indicates that this missense variant is not expected to disrupt LRP5 protein function with a negative predictive value of 95%. In summary, the available evidence is currently insufficient to determine the role of this variant in disease. Therefore, it has been classified as a Variant of Uncertain Significance.

Blueprint Genetics
Classification: Uncertain significance. Last evaluated: 2022-06-14. Review status: criteria provided, single submitter. Criteria: ACMG Guidelines, 2015. Collection method: clinical testing. Allele origin: germline.

NM_002335.4(LRP5):c.773G>A (p.Arg258His)

Gene: LRP5 (LDL receptor related protein 5; plus strand). Cytogenetic location: 11q13.2.
Variant type: single nucleotide variant.
Coding change: c.773G>A on transcript NM_002335.4 (MANE Select); coding-DNA position 773, G replaced by A.
Protein change: p.Arg258His; replaces arginine 258 with histidine.
Molecular consequence: missense variant. On other transcripts: 5 prime UTR variant (1).
Genome position (GRCh38, 1-based): chr11:68,363,833, G>A. VCF-style: chr11-68363833-G-A. GRCh37 (hg19) VCF-style: chr11-68131301-G-A.
Other names: c.-993G>A (NM_001291902.2); short protein forms R258H.
Identifiers: ClinVar variation 2789412 (VCV002789412.4), dbSNP rs2098629361, ClinGen allele CA381611078.
Genomic context (GRCh38, chr11:68,363,833, plus strand): 5'-CGCACCCCTTCGCCCTGACGCTCTCCGGGGACACTCTGTACTGGACAGACTGGCAGACCC[G>A]CTCCATCCATGCCTGCAACAAGCGCACTGGGGGGAAGAGGAAGGAGATCCTGAGTGCCCT-3'
Protein context (NP_002326.2, residues 248-268): DTLYWTDWQT[Arg258His]SIHACNKRTG